The following is an entry in ClinVar:

ClinVar aggregate classification (germline): Likely pathogenic. Review status: criteria provided, multiple submitters, no conflicts (2 of 4 stars). 4 submissions from 4 submitters: Likely pathogenic (4). Last evaluated 2025-05-09.

Conditions:
Hereditary cancer-predisposing syndrome. Also called: Tumor predisposition; Hereditary neoplastic syndrome; Neoplastic Syndromes, Hereditary; Hereditary Cancer Syndrome. Identifiers: Orphanet 140162, MedGen C0027672, MeSH D009386, MONDO:0015356.
Ataxia-telangiectasia syndrome (AT). Also called: Ataxia-telangiectasia, complementation group E; AT, COMPLEMENTATION GROUP C; ATAXIA-TELANGIECTASIA, COMPLEMENTATION GROUP A; ATAXIA-TELANGIECTASIA, FRESNO VARIANT; Ataxia-telangiectasia; LOUIS-BAR SYNDROME. Identifiers: Orphanet 100, MedGen C0004135, MONDO:0008840, OMIM 208900.
Familial cancer of breast. Also called: hereditary breast carcinoma; Hereditary breast cancer; BREAST CANCER, FAMILIAL. Identifiers: Orphanet 227535, MedGen C0346153, MONDO:0016419, OMIM 114480. Disease mechanism: loss of function.

Allele frequency attached by ClinVar (database versions not stated): gnomAD exomes below 0.00001.

Submissions (4):

Ambry Genetics
Classification: Likely pathogenic for Hereditary cancer-predisposing syndrome. Last evaluated: 2025-05-09. Review status: criteria provided, single submitter. Criteria: Ambry Variant Classification Scheme 2023. Collection method: clinical testing. Allele origin: germline.
Comment: The c.185+1G>A intronic variant results from a G to A substitution one nucleotide after coding exon 2 of the ATM gene. This nucleotide position is highly conserved in available vertebrate species. In silico splice site analysis predicts that this alteration will weaken the native splice donor site. Alterations that disrupt the canonical splice site are expected to cause aberrant splicing, resulting in an abnormal protein or a transcript that is subject to nonsense-mediated mRNA decay. As such, this alteration is classified as likely pathogenic.

Labcorp Genetics (formerly Invitae), Labcorp
Classification: Likely pathogenic for Ataxia-telangiectasia syndrome. Last evaluated: 2024-03-28. Review status: criteria provided, single submitter. Criteria: Invitae Variant Classification Sherloc (09022015). Collection method: clinical testing. Allele origin: germline.
Comment: This sequence change affects a donor splice site in intron 3 of the ATM gene. It is expected to disrupt RNA splicing. Variants that disrupt the donor or acceptor splice site typically lead to a loss of protein function (PMID: 16199547), and loss-of-function variants in ATM are known to be pathogenic (PMID: 23807571, 25614872). This variant is not present in population databases (gnomAD no frequency). This variant has not been reported in the literature in individuals affected with ATM-related conditions. ClinVar contains an entry for this variant (Variation ID: 220177). Algorithms developed to predict the effect of sequence changes on RNA splicing suggest that this variant may disrupt the consensus splice site. In summary, the currently available evidence indicates that the variant is pathogenic, but additional data are needed to prove that conclusively. Therefore, this variant has been classified as Likely Pathogenic.

Myriad Genetics, Inc.
Classification: Likely pathogenic for Familial cancer of breast. Last evaluated: 2024-01-08. Review status: criteria provided, single submitter. Criteria: Myriad Autosomal Dominant, Autosomal Recessive and X-Linked Classification Criteria (2023). Collection method: clinical testing. Allele origin: unknown.
Comment: This variant is considered likely pathogenic. This variant occurs within a consensus splice junction and is predicted to result in abnormal mRNA splicing of either an out-of-frame exon or an in-frame exon necessary for protein stability and/or normal function.

Baylor Genetics
Classification: Likely pathogenic for Familial cancer of breast. Last evaluated: 2023-03-08. Review status: criteria provided, single submitter. Criteria: ACMG Guidelines, 2015. Collection method: clinical testing. Allele origin: unknown.

Literature cited by the submitters: PubMed 16199547 (cited by Labcorp Genetics (formerly Invitae), Labcorp); PubMed 23807571 (cited by Labcorp Genetics (formerly Invitae), Labcorp); PubMed 25614872 (cited by Labcorp Genetics (formerly Invitae), Labcorp).

NM_000051.4(ATM):c.185+1G>A

Gene: ATM (ATM serine/threonine kinase; plus strand). Cytogenetic location: 11q22.3.
Variant type: single nucleotide variant.
Coding change: c.185+1G>A on transcript NM_000051.4 (MANE Select); the canonical splice donor site of the intron after coding-DNA position 185, G replaced by A.
Molecular consequence: splice donor variant.
Genome position (GRCh38, 1-based): chr11:108,227,889, G>A. VCF-style: chr11-108227889-G-A. GRCh37 (hg19) VCF-style: chr11-108098616-G-A.
Other names: c.185+1G>A (NM_001351835.2, NM_001351836.2, NM_001351834.2).
Identifiers: ClinVar variation 220177 (VCV000220177.13), dbSNP rs112805604, ClinGen allele CA349320.